The following is an entry in ClinVar:

NM_005225.3(E2F1):c.826G>A (p.Val276Met)

Gene: E2F1 (E2F transcription factor 1; minus strand). Cytogenetic location: 20q11.22.
Variant type: single nucleotide variant.
Coding change: c.826G>A on transcript NM_005225.3 (MANE Select); coding-DNA position 826, G replaced by A.
Protein change: p.Val276Met; replaces valine 276 with methionine.
Molecular consequence: missense variant.
Genome position (GRCh38, 1-based): chr20:33,677,440, C>T on the plus strand (G>A on the coding strand, the complement: E2F1 is on the minus strand). VCF-style: chr20-33677440-C-T. GRCh37 (hg19) VCF-style: chr20-32265246-C-T.
Other names: short protein forms V276M.
Identifiers: ClinVar variation 719834 (VCV000719834.6), dbSNP rs3213173, ClinGen allele CA9818660.

ClinVar aggregate classification (germline): Benign. Review status: criteria provided, multiple submitters, no conflicts (2 of 4 stars). 3 submissions from 3 submitters: Benign (2). 1 of the submissions does not count toward it. Last evaluated 2018-09-18.

Conditions:
E2F1-related disorder. Also called: E2F1-related condition.

Allele frequency attached by ClinVar (database versions not stated): gnomAD exomes 0.00050 and 0.00117; ExAC 0.00151; gnomAD 0.00482 and 0.00518; 1000 Genomes Project 0.00559; 1000 Genomes Project 30x 0.00593; ESP Exome Variant Server 0.00600; TOPMed 0.00628.
gnomAD v4.1: 1,517 of 1,614,044 alleles (0.094%); highest among the groups gnomAD compares: African/African-American, 1.8%; 16 homozygotes.

Submissions (3):

Labcorp Genetics (formerly Invitae), Labcorp
Classification: Benign. Last evaluated: 2018-09-18. Review status: criteria provided, single submitter. Criteria: Invitae Variant Classification Sherloc (09022015). Collection method: clinical testing. Allele origin: germline.

Breakthrough Genomics
Classification: Benign. Review status: criteria provided, single submitter. Criteria: ACMG Guidelines, 2015. Collection method: not provided. Allele origin: germline. Inheritance: Unknown mechanism. Affected: yes.

PreventionGenetics, part of Exact Sciences
Classification: Benign for E2F1-related condition. Last evaluated: 2019-06-04. Review status: no assertion criteria provided. Collection method: clinical testing. Allele origin: germline. Not counted in ClinVar's aggregate classification.
Comment: This variant is classified as benign based on ACMG/AMP sequence variant interpretation guidelines (Richards et al. 2015 PMID: 25741868, with internal and published modifications).